The following is an entry in ClinVar:

NM_000317.3(PTS):c.271A>G (p.Lys91Glu)

Gene: PTS (6-pyruvoyltetrahydropterin synthase; plus strand). Cytogenetic location: 11q23.1.
Variant type: single nucleotide variant.
Coding change: c.271A>G on transcript NM_000317.3 (MANE Select); coding-DNA position 271, A replaced by G.
Protein change: p.Lys91Glu; replaces lysine 91 with glutamic acid.
Molecular consequence: missense variant.
Genome position (GRCh38, 1-based): chr11:112,233,190, A>G. VCF-style: chr11-112233190-A-G. GRCh37 (hg19) VCF-style: chr11-112103913-A-G.
Other names: short protein forms K91E.
Identifiers: ClinVar variation 2678102 (VCV002678102.3), dbSNP rs2496570753, ClinGen allele CA382627822.

ClinVar aggregate classification (germline): Conflicting classifications of pathogenicity. Review status: criteria provided, conflicting classifications (1 of 4 stars). 3 submissions from 3 submitters: Likely pathogenic (2); Uncertain significance (1). Last evaluated 2025-09-10.

Conditions:
6-Pyruvoyl-tetrahydrobiopterin synthase deficiency. Also called: 6-Pyruvoyltetrahydropterin Synthase Deficiency; HYPERPHENYLALANINEMIA, TETRAHYDROBIOPTERIN-DEFICIENT, DUE TO PTS DEFICIENCY; Hyperphenylalanemia, BH4-deficient, A; Hyperphenylalaninemia due to 6-pyruvoyl-tetrahydropterin synthase deficiency; BH4-deficient hyperphenylalaninemia A; PTS-Related Tetrahydrobiopterin Deficiency. Identifiers: Orphanet 13, Orphanet 238583, MedGen C0878676, MONDO:0009863, OMIM 261640.
Noonan syndrome 1 (NS1). Also called: FEMALE PSEUDO-TURNER SYNDROME; TURNER PHENOTYPE WITH NORMAL KARYOTYPE; PTPN11-Related Noonan Syndrome. Identifiers: Orphanet 648, MedGen C4551602, MONDO:0008104, OMIM 163950. Disease mechanism: gain of function.

Submissions (3):

Genomic Medicine Center of Excellence, King Faisal Specialist Hospital and Research Centre
Classification: Likely pathogenic for Noonan syndrome 1. Last evaluated: 2025-09-10. Review status: criteria provided, single submitter. Criteria: ACMG Guidelines, 2015. Collection method: clinical testing. Allele origin: germline.

Women's Health and Genetics/Laboratory Corporation of America, LabCorp
Classification: Uncertain significance. Last evaluated: 2024-07-02. Review status: criteria provided, single submitter. Criteria: LabCorp Variant Classification Summary - May 2015. Collection method: clinical testing. Allele origin: germline.
Comment: Variant summary: PTS c.271A>G (p.Lys91Glu) results in a conservative amino acid change in the encoded protein sequence. Four of five in-silico tools predict a damaging effect of the variant on protein function. The variant was absent in 251436 control chromosomes. c.271A>G has been reported in the literature as a compound heterozygous genotype with a deep intronic variant in atleast two individuals affected with features of mild 6-Pyruvoyl-Tetrahydropterin Synthase Deficiency (example, Leuzzi_2009 overlapping with Manti_2020 and Song_2021). These data indicate that the variant may be associated with disease. To our knowledge, no experimental evidence demonstrating an impact on protein function has been reported. The following publications have been ascertained in the context of this evaluation (PMID: 20059486, 32651154, 30853107, 32202960). ClinVar contains an entry for this variant (Variation ID: 2678102). Based on the evidence outlined above, the variant was classified as VUS-possibly pathogenic.

Baylor Genetics
Classification: Likely pathogenic for 6-Pyruvoyl-tetrahydrobiopterin synthase deficiency. Last evaluated: 2023-08-16. Review status: criteria provided, single submitter. Criteria: ACMG Guidelines, 2015. Collection method: clinical testing. Allele origin: unknown.

Literature cited by the submitters: PubMed 20059486 (cited by Women's Health and Genetics/Laboratory Corporation of America, LabCorp); PubMed 32651154 (cited by Women's Health and Genetics/Laboratory Corporation of America, LabCorp); PubMed 30853107 (cited by Women's Health and Genetics/Laboratory Corporation of America, LabCorp); PubMed 32202960 (cited by Women's Health and Genetics/Laboratory Corporation of America, LabCorp).